The following is an entry in ClinVar:

NM_001321142.2(CIDEC):c.403G>A (p.Ala135Thr)

Gene: CIDEC (cell death inducing DFFA like effector c; minus strand). Cytogenetic location: 3p25.3.
Variant type: single nucleotide variant.
Coding change: c.403G>A on transcript NM_001321142.2 (MANE Select); coding-DNA position 403, G replaced by A.
Protein change: p.Ala135Thr; replaces alanine 135 with threonine.
Molecular consequence: missense variant.
Genome position (GRCh38, 1-based): chr3:9,870,033, C>T on the plus strand (G>A on the coding strand, the complement: CIDEC is on the minus strand). VCF-style: chr3-9870033-C-T. GRCh37 (hg19) VCF-style: chr3-9911717-C-T.
Other names: p.Ala148Thr; c.433G>A, p.Ala145Thr (NM_001199551.2); c.403G>A, p.Ala135Thr (NM_001199552.2, NM_001378491.1, NM_022094.3); c.442G>A, p.Ala148Thr (NM_001199623.2); c.181G>A, p.Ala61Thr (NM_001321143.2, NM_001321144.2); short protein forms A135T, A145T, A148T, A61T.
Identifiers: ClinVar variation 4684675 (VCV004684675.1).
Genomic context (GRCh38, chr3:9,870,033, plus strand): 5'-AGTCCTGTGGGTTCAGCTTGTACAGATCAAACGTTACACGGGCCACATCAATCTTCTTGG[C>T]AGGCTTATGGGAGAGGGACAGTGGGTGCCTTGTCCCCTGCATTGAGACAAGCAAATGGTT-3'
Protein context (NP_001308071.1, residues 125-145): RHPLSLSHKP[Ala135Thr]KKIDVARVTF

ClinVar aggregate classification (germline): Likely benign (1 of 4 stars; one submission).

gnomAD v4.1: 422 of 1,614,208 alleles (0.026%); highest among the groups gnomAD compares: African/African-American, 0.46%; 6 homozygotes.

Submission:

Mayo Clinic Laboratories, Mayo Clinic
Classification: Likely benign. Last evaluated: 2022-09-27. Review status: criteria provided, single submitter. Criteria: ACMG Guidelines, 2015. Collection method: clinical testing. Allele origin: germline. Observed: 2 variant alleles.
Comment: BS1, BP4